The following is an entry in ClinVar:

NM_000057.4(BLM):c.3743A>G (p.Lys1248Arg)

Gene: BLM (BLM RecQ like helicase; plus strand). Cytogenetic location: 15q26.1.
Variant type: single nucleotide variant.
Coding change: c.3743A>G on transcript NM_000057.4 (MANE Select); coding-DNA position 3743, A replaced by G.
Protein change: p.Lys1248Arg; replaces lysine 1248 with arginine.
Molecular consequence: missense variant. On other transcripts: intron variant (1).
Genome position (GRCh38, 1-based): chr15:90,804,351, A>G. VCF-style: chr15-90804351-A-G. GRCh37 (hg19) VCF-style: chr15-91347581-A-G.
Other names: c.3743A>G, p.Lys1248Arg (NM_001287246.2); c.2618A>G, p.Lys873Arg (NM_001287248.2); c.3359-4786A>G (NM_001287247.2); short protein forms K1248R, K873R.
Identifiers: ClinVar variation 824151 (VCV000824151.4), dbSNP rs1555424404, ClinGen allele CA393848298.
Genomic context (GRCh38, chr15:90,804,351, plus strand): 5'-CTCTGGGGAAAGTTTTTGGTGTCCATTACTTCAATATTTTTAATACCGTCACTCTCAAGA[A>G]GCTTGCAGGTGGGTACACATGTATCCTTTGTTACGTGGCACAGATTAATAGGCCGAAAGT-3'
Protein context (NP_000048.1, residues 1238-1258): FNIFNTVTLK[Lys1248Arg]LAESLSSDPE

ClinVar aggregate classification (germline): Uncertain significance (1 of 4 stars; one submission).

Conditions:
Hereditary cancer-predisposing syndrome. Also called: Neoplastic Syndromes, Hereditary; Tumor predisposition; Hereditary neoplastic syndrome; Hereditary Cancer Syndrome. Identifiers: Orphanet 140162, MedGen C0027672, MeSH D009386, MONDO:0015356.

Submission:

Ambry Genetics
Classification: Uncertain significance for Hereditary cancer-predisposing syndrome. Last evaluated: 2019-10-30. Review status: criteria provided, single submitter. Criteria: Ambry Variant Classification Scheme 2023. Collection method: clinical testing. Allele origin: germline.
Comment: The p.K1248R variant (also known as c.3743A>G), located in coding exon 18 of the BLM gene, results from an A to G substitution at nucleotide position 3743. The lysine at codon 1248 is replaced by arginine, an amino acid with highly similar properties. This amino acid position is highly conserved in available vertebrate species. In addition, this alteration is predicted to be tolerated by in silico analysis. Since supporting evidence is limited at this time, the clinical significance of this alteration remains unclear.